The following is an entry in ClinVar:

ClinVar aggregate classification (germline): Pathogenic (1 of 4 stars; one submission).

Allele frequency attached by ClinVar (database versions not stated): gnomAD exomes below 0.00001; TOPMed below 0.00001.
gnomAD v4.1: 2 of 1,613,952 alleles (0.00012%); highest among the groups gnomAD compares: Non-Finnish European, 0.00017%; no homozygotes.

Submission:

Labcorp Genetics (formerly Invitae), Labcorp
Classification: Pathogenic. Last evaluated: 2021-05-08. Review status: criteria provided, single submitter. Criteria: Invitae Variant Classification Sherloc (09022015). Collection method: clinical testing. Allele origin: germline.
Comment: For these reasons, this variant has been classified as Pathogenic. This sequence change creates a premature translational stop signal (p.Gln335*) in the HPS3 gene. It is expected to result in an absent or disrupted protein product. Loss-of-function variants in HPS3 are known to be pathogenic (PMID: 11590544). This variant is not present in population databases (ExAC no frequency). This variant has not been reported in the literature in individuals with HPS3-related conditions.

Literature cited by the submitters: PubMed 11590544.

NM_032383.5(HPS3):c.1003C>T (p.Gln335Ter)

Gene: HPS3 (HPS3 biogenesis of lysosomal organelles complex 2 subunit 1; plus strand). Cytogenetic location: 3q24.
Variant type: single nucleotide variant.
Coding change: c.1003C>T on transcript NM_032383.5 (MANE Select); coding-DNA position 1003, C replaced by T.
Protein change: p.Gln335Ter; replaces glutamine 335 with a stop codon.
Molecular consequence: nonsense.
Genome position (GRCh38, 1-based): chr3:149,145,386, C>T. VCF-style: chr3-149145386-C-T. GRCh37 (hg19) VCF-style: chr3-148863173-C-T.
Other names: c.508C>T, p.Gln170Ter (NM_001308258.2); short protein forms Q335*, Q170*.
Identifiers: ClinVar variation 1439008 (VCV001439008.6), dbSNP rs1174849391, ClinGen allele CA354915513.